The following is an entry in ClinVar:

ClinVar aggregate classification (germline): Uncertain significance (1 of 4 stars; one submission).

gnomAD v4.1: 2 of 1,612,826 alleles (0.00012%); highest among the groups gnomAD compares: African/African-American, 0.0013%; no homozygotes.

Submission:

Dasa
Classification: Uncertain significance. Last evaluated: 2024-10-25. Review status: criteria provided, single submitter. Criteria: DASA Assertion Criteria. Collection method: clinical testing. Allele origin: germline.
Comment: NM_001375380.1(EBF3):c.1194+5G>A is a splice-region variant. This variant is rare in population databases. Computational prediction algorithms are consistent with a benign effect. The currently available literature and clinical evidence are not sufficient to establish a definitive association between this variant and the reported condition. Therefore, this variant is classified as a variant of uncertain significance.

NM_001375380.1(EBF3):c.1194+5G>A

Gene: EBF3 (EBF transcription factor 3; minus strand). Cytogenetic location: 10q26.3.
Variant type: single nucleotide variant.
Coding change: c.1194+5G>A on transcript NM_001375380.1 (MANE Select); 5 bases into the intron after coding-DNA position 1194, G replaced by A.
Molecular consequence: intron variant.
Genome position (GRCh38, 1-based): chr10:129,843,132, C>T on the plus strand (G>A on the coding strand, the complement: EBF3 is on the minus strand). VCF-style: chr10-129843132-C-T. GRCh37 (hg19) VCF-style: chr10-131641396-C-T.
Other names: c.1167+5G>A (NM_001375392.1, NM_001005463.3, NM_001375390.1); c.1194+5G>A (NM_001375391.1, NM_001375389.1, NM_001375379.1).
Identifiers: ClinVar variation 4885573 (VCV004885573.2).